The following is an entry in ClinVar:

ClinVar aggregate classification (germline): Pathogenic (1 of 4 stars; one submission).

Conditions:
Autosomal dominant nonsyndromic hearing loss 10. Identifiers: Orphanet 90635, MedGen C1832476, MONDO:0011031, OMIM 601316.

Submission:

Precision Medicine Center, Zhengzhou University
Classification: Pathogenic for Autosomal dominant nonsyndromic hearing loss 10. Last evaluated: 2006-06-30. Review status: criteria provided, single submitter. Criteria: ClinGen HL ACMG Specifications v1. Collection method: clinical testing. Allele origin: unknown. Affected: yes.
Comment: PVS1+PM2:The EYA4 c.1715del variant is a frameshift variant predicted to result in a premature termination codon and loss of normal protein function via nonsense-mediated decay (PVS1). The variant is absent or extremely rare in population databases (PM2). According to the ACMG/AMP guidelines, this variant is classified as Pathogenic.

Literature cited by the submitters: PubMed 30192042.

NM_004100.5(EYA4):c.1715del (p.Asn572fs)

Genes: EYA4 (EYA transcriptional coactivator and phosphatase 4; plus strand), TARID (TCF21 antisense RNA inducing promoter demethylation; minus strand). Cytogenetic location: 6q23.2.
Variant type: Deletion.
Coding change: c.1715del on transcript NM_004100.5 (MANE Select); coding-DNA position 1715, one base deleted (A; older notation c.1715delA).
Protein change: p.Asn572fs; shifts the reading frame from asparagine 572.
Molecular consequence: frameshift variant.
Genome position (GRCh38, 1-based): chr6:133,523,154, A deleted; the last of 2 consecutive A bases (chr6:133,523,153-133,523,154); deleting either gives the same sequence. VCF-style (leftmost placement, unchanged base first): chr6-133523152-GA-G. GRCh37 (hg19) VCF-style: chr6-133844290-GA-G.
Other names: c.1553del, p.Asn518fs (NM_001301012.2); c.1733del, p.Asn578fs (NM_001301013.2); c.1646del, p.Asn549fs (NM_001370458.1, NM_172103.4); c.1571del, p.Asn524fs (NM_001370459.1); c.1715del, p.Asn572fs (NM_172105.4); short protein forms N518fs, N524fs, N549fs, N572fs, N578fs.
Identifiers: ClinVar variation 4857394 (VCV004857394.1).